The following is an entry in ClinVar:

ClinVar aggregate classification (germline): Likely benign. Review status: criteria provided, multiple submitters, no conflicts (2 of 4 stars). 5 submissions from 5 submitters: Likely benign (5). Last evaluated 2025-09-07.

Conditions:
Alagille syndrome due to a JAG1 point mutation. Also called: Alagille Syndrome 1; HEPATIC DUCTULAR HYPOPLASIA, SYNDROMATIC; JAG1-Related Alagille Syndrome. Identifiers: Orphanet 261619, Orphanet 52, MedGen C1956125, MONDO:0016862, OMIM 118450.
JAG1-related disorder. Also called: JAG1-related condition; JAG1-related disorders.
Isolated Nonsyndromic Congenital Heart Disease.
Cardiovascular phenotype. Identifiers: MedGen CN230736.

Allele frequency attached by ClinVar (database versions not stated): gnomAD 0.00001; TOPMed 0.00003; gnomAD exomes 0.00004 and 0.00007; ExAC 0.00012; 1000 Genomes Project 30x 0.00016; 1000 Genomes Project 0.00020.
gnomAD v4.1: 56 of 1,614,006 alleles (0.0035%); highest among the groups gnomAD compares: East Asian, 0.11%; no homozygotes.

Submissions (5):

Labcorp Genetics (formerly Invitae), Labcorp
Classification: Likely benign for Alagille syndrome due to a JAG1 point mutation. Last evaluated: 2025-09-07. Review status: criteria provided, single submitter. Criteria: Invitae Variant Classification Sherloc (09022015). Collection method: clinical testing. Allele origin: germline.

PreventionGenetics, part of Exact Sciences
Classification: Likely benign for JAG1-related condition. Last evaluated: 2025-04-02. Review status: criteria provided, single submitter. Criteria: ACMG Guidelines, 2015. Collection method: clinical testing. Allele origin: germline.
Comment: This variant is classified as likely benign based on ACMG/AMP sequence variant interpretation guidelines (Richards et al. 2015 PMID: 25741868, with internal and published modifications).

Blueprint Genetics
Classification: Likely benign. Last evaluated: 2023-08-18. Review status: criteria provided, single submitter. Criteria: ACMG Guidelines, 2015. Collection method: clinical testing. Allele origin: germline.

Ambry Genetics
Classification: Likely benign for Cardiovascular phenotype. Last evaluated: 2020-09-10. Review status: criteria provided, single submitter. Criteria: Ambry Variant Classification Scheme 2023. Collection method: clinical testing. Allele origin: germline.

Illumina Laboratory Services, Illumina
Classification: Likely benign for Isolated Nonsyndromic Congenital Heart Disease. Last evaluated: 2017-04-27. Review status: criteria provided, single submitter. Criteria: ICSL Variant Classification Criteria 13 December 2019. Collection method: clinical testing. Allele origin: germline.
Comment: This variant was observed as part of a predisposition screen in an ostensibly healthy population. A literature search was performed for the gene, cDNA change, and amino acid change (where applicable). No publications were found based on this search. Allele frequency data from public databases allowed determination this variant is unlikely to cause disease. Therefore, this variant is classified as likely benign.

NM_000214.3(JAG1):c.2517C>T (p.Ile839=)

Gene: JAG1 (jagged canonical Notch ligand 1; minus strand). Cytogenetic location: 20p12.2.
Variant type: single nucleotide variant.
Coding change: c.2517C>T on transcript NM_000214.3 (MANE Select); coding-DNA position 2517, C replaced by T.
Protein change: p.Ile839=; no amino-acid change (isoleucine 839 retained).
Molecular consequence: synonymous variant.
Genome position (GRCh38, 1-based): chr20:10,642,543, G>A on the plus strand (C>T on the coding strand, the complement: JAG1 is on the minus strand). VCF-style: chr20-10642543-G-A. GRCh37 (hg19) VCF-style: chr20-10623191-G-A.
Identifiers: ClinVar variation 695709 (VCV000695709.16), dbSNP rs560603550, ClinGen allele CA9764477.
Genomic context (GRCh38, chr20:10,642,543, plus strand): 5'-CATACCTTCCTGGCACTTGGCACCACTGTGCCCTGGAGGGCAGACACACCGGTAGCCATT[G>A]ATCTCATCCACACAGGTCGCTCCAAAGGCACAAGGTGAAGACTGGCATTCATTGATGTCT-3'
Protein context (NP_000205.1, residues 829-849): CAFGATCVDE[Ile839=]NGYRCVCPPG